The following is an entry in ClinVar:

NM_000702.4(ATP1A2):c.1643G>A (p.Arg548His)

Gene: ATP1A2 (ATPase Na+/K+ transporting subunit alpha 2; plus strand). Cytogenetic location: 1q23.2.
Variant type: single nucleotide variant.
Coding change: c.1643G>A on transcript NM_000702.4 (MANE Select); coding-DNA position 1643, G replaced by A.
Protein change: p.Arg548His; replaces arginine 548 with histidine.
Molecular consequence: missense variant.
Genome position (GRCh38, 1-based): chr1:160,130,283, G>A. VCF-style: chr1-160130283-G-A. GRCh37 (hg19) VCF-style: chr1-160100073-G-A.
Other names: short protein forms R548H.
Identifiers: ClinVar variation 12926 (VCV000012926.15), dbSNP rs121918616, ClinGen allele CA122785.

ClinVar aggregate classification (germline): Pathogenic. Review status: criteria provided, multiple submitters, no conflicts (2 of 4 stars). 6 submissions from 6 submitters: Pathogenic (5). 1 of the submissions does not count toward it. Last evaluated 2025-09-23.

Conditions:
Developmental and epileptic encephalopathy 98. Identifiers: MedGen C5562017, MONDO:0030472, OMIM 619605.
ATP1A2-related disorder. Also called: ATP1A2-related condition; ATP1A2-RELATED DISORDERS.
Familial hemiplegic migraine. Identifiers: MedGen C0338484, MONDO:0000700.
Migraine, familial hemiplegic, 2. Identifiers: Orphanet 569, MedGen C1865322, MONDO:0011232, OMIM 602481.
Migraine, familial basilar. Identifiers: MedGen C1865323.

Allele frequency attached by ClinVar (database versions not stated): gnomAD exomes below 0.00001.
gnomAD v4.1: 3 of 1,614,174 alleles (0.00019%); highest among the groups gnomAD compares: Non-Finnish European, 0.00025%; no homozygotes.

Submissions (6):

GeneDx
Classification: Pathogenic. Last evaluated: 2025-09-23. Review status: criteria provided, single submitter. Criteria: GeneDx Variant Classification Process June 2021. Collection method: clinical testing. Allele origin: germline. Affected: yes.
Comment: Published in vitro functional studies demonstrated that R548H variant results in reduced ATPase activity, alters the affinity for sodium and potassium, and reduces catalytic turnover compared to the wild type protein (PMID: 23954377); Not observed at significant frequency in large population cohorts (gnomAD); In silico analysis supports that this missense variant has a deleterious effect on protein structure/function; This variant is associated with the following publications: (PMID: 18498390, 16088919, 27445835, Maksemous2019article, 16344534, 23954377, 18184292)

Institute of Human Genetics, University of Leipzig Medical Center
Classification: Pathogenic for Migraine, familial hemiplegic, 2. Last evaluated: 2024-07-18. Review status: criteria provided, single submitter. Criteria: ACMG Guidelines, 2015. Collection method: clinical testing. Allele origin: maternal. Inheritance: Autosomal dominant inheritance. Affected: yes.
Comment: Criteria applied: PS4_MOD,PM2,PM5,PS3_SUP,PP1,PP2,PP3

Institute of Human Genetics, Heidelberg University
Classification: Pathogenic for Developmental and epileptic encephalopathy 98. Last evaluated: 2024-04-26. Review status: criteria provided, single submitter. Criteria: ACMG Guidelines, 2015. Collection method: clinical testing. Allele origin: paternal. Affected: yes.

Labcorp Genetics (formerly Invitae), Labcorp
Classification: Pathogenic for Familial hemiplegic migraine. Last evaluated: 2024-03-12. Review status: criteria provided, single submitter. Criteria: Invitae Variant Classification Sherloc (09022015). Collection method: clinical testing. Allele origin: germline.
Comment: This sequence change replaces arginine, which is basic and polar, with histidine, which is basic and polar, at codon 548 of the ATP1A2 protein (p.Arg548His). This variant is present in population databases (rs121918616, gnomAD 0.0009%). This missense change has been observed in individuals with clinical features of autosomal dominant ATP1A2-related conditions (PMID: 16344534; Invitae; Maksemous et al. 2019 Cephalagia Reports Vol. 2). ClinVar contains an entry for this variant (Variation ID: 12926). Advanced modeling of protein sequence and biophysical properties (such as structural, functional, and spatial information, amino acid conservation, physicochemical variation, residue mobility, and thermodynamic stability) performed at Invitae indicates that this missense variant is expected to disrupt ATP1A2 protein function with a positive predictive value of 80%. Experimental studies have shown that this missense change affects ATP1A2 function (PMID: 23954377). This variant disrupts the p.Arg548 amino acid residue in ATP1A2. Other variant(s) that disrupt this residue have been observed in individuals with ATP1A2-related conditions (PMID: 18498390), which suggests that this may be a clinically significant amino acid residue. For these reasons, this variant has been classified as Pathogenic.

Rady Children's Institute for Genomic Medicine, Rady Children's Hospital San Diego
Classification: Pathogenic for ATP1A2-RELATED DISORDERS. Review status: criteria provided, single submitter. Criteria: ACMG Guidelines, 2015. Collection method: clinical testing. Allele origin: germline. Affected: yes.
Comment: This variant has been previously reported as a heterozygous change in patients with Hemiplegic migraine and Basilar migraine (PMID: 16344534, and Maksemous et al., 2019). Additionally, a different variant at the same amino acid position (p.Arg548Cys) has been seen in multiple patients with ATP1A2-Related Disorders (ClinVar Variation ID: 871961). In vitro overexpression studies revealed that the c.1643G>A (p.Arg548His) variant has reduced Na(+) affinity and increased K(+) affinity, leading to reduced catalytic turnover compared to the wild type protein (PMID: 23954377). It is present in the heterozygous state in the gnomAD population database at a frequency of 0.0004% (1/251212) and thus is presumed to be rare. The c.1643G>A (p.Arg548His) variant affects a highly conserved amino acid and is predicted by multiple in silico tools to have a deleterious effect on protein function. Based on the available evidence, the c.1643G>A (p.Arg548His) variant is classified as Pathogenic.

OMIM
Classification: Pathogenic for MIGRAINE, FAMILIAL BASILAR. Last evaluated: 2005-12-13. Review status: no assertion criteria provided. Collection method: literature only. Allele origin: germline. Not counted in ClinVar's aggregate classification.

Literature cited by the submitters: PubMed 16344534 (cited by Labcorp Genetics (formerly Invitae), Labcorp and OMIM); PubMed 2019 (cited by Labcorp Genetics (formerly Invitae), Labcorp); PubMed 2 (cited by Labcorp Genetics (formerly Invitae), Labcorp); PubMed 23954377 (cited by Labcorp Genetics (formerly Invitae), Labcorp); PubMed 18498390 (cited by Labcorp Genetics (formerly Invitae), Labcorp).